The following is an entry in ClinVar:

ClinVar aggregate classification (germline): Uncertain significance (1 of 4 stars; one submission).

Conditions:
Catecholaminergic polymorphic ventricular tachycardia 1. Also called: VENTRICULAR TACHYCARDIA, STRESS-INDUCED POLYMORPHIC 1; VENTRICULAR TACHYCARDIA, CATECHOLAMINERGIC POLYMORPHIC, 1, WITH OR WITHOUT ATRIAL DYSFUNCTION AND/OR DILATED CARDIOMYOPATHY; RYR2-Related Catecholaminergic Polymorphic Ventricular Tachycardia. Identifiers: Orphanet 3286, MedGen C1631597, MONDO:0011484, OMIM 604772.

gnomAD v4.1: 3 of 1,611,672 alleles (0.00019%); highest among the groups gnomAD compares: Non-Finnish European, 0.00025%; no homozygotes.

Submission:

Labcorp Genetics (formerly Invitae), Labcorp
Classification: Uncertain significance for Catecholaminergic polymorphic ventricular tachycardia 1. Last evaluated: 2025-08-28. Review status: criteria provided, single submitter. Criteria: Invitae Variant Classification Sherloc (09022015). Collection method: clinical testing. Allele origin: germline.
Comment: This sequence change replaces isoleucine, which is neutral and non-polar, with threonine, which is neutral and polar, at codon 3765 of the RYR2 protein (p.Ile3765Thr). This variant is not present in population databases (gnomAD no frequency). This variant has not been reported in the literature in individuals affected with RYR2-related conditions. ClinVar contains an entry for this variant (Variation ID: 3684039). Invitae Evidence Modeling of protein sequence and biophysical properties (such as structural, functional, and spatial information, amino acid conservation, physicochemical variation, residue mobility, and thermodynamic stability) indicates that this missense variant is not expected to disrupt RYR2 protein function with a negative predictive value of 95%. In summary, the available evidence is currently insufficient to determine the role of this variant in disease. Therefore, it has been classified as a Variant of Uncertain Significance.

NM_001035.3(RYR2):c.11294T>C (p.Ile3765Thr)

Gene: RYR2 (ryanodine receptor 2; plus strand). Cytogenetic location: 1q43.
Variant type: single nucleotide variant.
Coding change: c.11294T>C on transcript NM_001035.3 (MANE Select); coding-DNA position 11294, T replaced by C.
Protein change: p.Ile3765Thr; replaces isoleucine 3765 with threonine.
Molecular consequence: missense variant.
Genome position (GRCh38, 1-based): chr1:237,757,745, T>C. VCF-style: chr1-237757745-T-C. GRCh37 (hg19) VCF-style: chr1-237921045-T-C.
Other names: short protein forms I3765T.
Identifiers: ClinVar variation 3684039 (VCV003684039.2).